The following is an entry in ClinVar:

ClinVar aggregate classification (germline): Uncertain significance (1 of 4 stars; one submission).

Conditions:
Neuromuscular disease and ocular or auditory anomalies with or without seizures. Also called: NEUROMUSCULAR OCULOAUDITORY SYNDROME. Identifiers: MedGen C5231483, MONDO:0032890, OMIM 618733.

Submission:

Neuberg Centre For Genomic Medicine, NCGM
Classification: Uncertain significance for Neuromuscular disease and ocular or auditory anomalies with or without seizures. Last evaluated: 2023-06-22. Review status: criteria provided, single submitter. Criteria: ACMG Guidelines, 2015. Collection method: clinical testing. Allele origin: germline. Inheritance: Autosomal dominant inheritance. Affected: yes.
Comment: The observed missense c.1990C>T(p.Pro664Ser) variant in DHX16 gene has not been reported previously as a pathogenic variant nor as a benign variant, to our knowledge. This variant is absent in gnomAD Exomes. The amino acid Pro at position 664 is changed to a Ser changing protein sequence and it might alter its composition and physico-chemical properties. The amino acid change p.Pro664Ser in DHX16 is predicted as conserved by GERP++ and PhyloP across 100 vertebrates. Multiple lines of computational evidence (Polyphen - Damaging, SIFT - Damaging, and MutationTaster - Disease causing) predict a damaging effect on protein structure and function for this variant. For these reasons, this variant has been classified as Uncertain Significance.

NM_003587.5(DHX16):c.1990C>T (p.Pro664Ser)

Gene: DHX16 (DEAH-box helicase 16; minus strand). Cytogenetic location: 6p21.33.
Variant type: single nucleotide variant.
Coding change: c.1990C>T on transcript NM_003587.5 (MANE Select); coding-DNA position 1990, C replaced by T.
Protein change: p.Pro664Ser; replaces proline 664 with serine.
Molecular consequence: missense variant.
Genome position (GRCh38, 1-based): chr6:30,659,489, G>A on the plus strand (C>T on the coding strand, the complement: DHX16 is on the minus strand). VCF-style: chr6-30659489-G-A. GRCh37 (hg19) VCF-style: chr6-30627266-G-A.
Other names: c.1810C>T, p.Pro604Ser (NM_001164239.2); c.547C>T, p.Pro183Ser (NM_001363515.2); short protein forms P183S, P604S, P664S.
Identifiers: ClinVar variation 3377738 (VCV003377738.1).